The following is an entry in ClinVar:

ClinVar aggregate classification (germline): Uncertain significance (1 of 4 stars; one submission).

Submission:

GeneDx
Classification: Uncertain significance. Last evaluated: 2024-06-16. Review status: criteria provided, single submitter. Criteria: GeneDx Variant Classification Process June 2021. Collection method: clinical testing. Allele origin: germline. Affected: yes.
Comment: Not observed at significant frequency in large population cohorts (gnomAD); In silico analysis indicates that this missense variant does not alter protein structure/function; Has not been previously published as pathogenic or benign to our knowledge

NM_018263.6(ASXL2):c.1906G>A (p.Val636Ile)

Gene: ASXL2 (ASXL transcriptional regulator 2; minus strand). Cytogenetic location: 2p23.3.
Variant type: single nucleotide variant.
Coding change: c.1906G>A on transcript NM_018263.6 (MANE Select); coding-DNA position 1906, G replaced by A.
Protein change: p.Val636Ile; replaces valine 636 with isoleucine.
Molecular consequence: missense variant.
Genome position (GRCh38, 1-based): chr2:25,744,431, C>T on the plus strand (G>A on the coding strand, the complement: ASXL2 is on the minus strand). VCF-style: chr2-25744431-C-T. GRCh37 (hg19) VCF-style: chr2-25967300-C-T.
Other names: c.1732G>A, p.Val578Ile (NM_001369346.1); c.1126G>A, p.Val376Ile (NM_001369347.1); short protein forms V376I, V578I, V636I.
Identifiers: ClinVar variation 3390509 (VCV003390509.1).